The following is an entry in ClinVar:

ClinVar aggregate classification (germline): Uncertain significance. Review status: criteria provided, multiple submitters, no conflicts (2 of 4 stars). 3 submissions from 3 submitters: Uncertain significance (3). Last evaluated 2024-07-11.

Conditions:
Fetal akinesia deformation sequence 1 (FADS1). Also called: Pena-Shokeir syndrome type I; Fetal akinesia sequence. Identifiers: Orphanet 994, MedGen C1276035, MONDO:0100101, OMIM 208150, HP:0001989.
Congenital myasthenic syndrome 10. Also called: Myasthenia, limb-girdle, familial. Identifiers: Orphanet 590, MedGen C1850792, MONDO:0009690, OMIM 254300.

Allele frequency attached by ClinVar (database versions not stated): gnomAD 0.00001; gnomAD exomes 0.00002 and 0.00005.

Submissions (3):

GeneDx
Classification: Uncertain significance. Last evaluated: 2024-07-11. Review status: criteria provided, single submitter. Criteria: GeneDx Variant Classification Process June 2021. Collection method: clinical testing. Allele origin: germline. Affected: yes.
Comment: Not observed at significant frequency in large population cohorts (gnomAD); In silico analysis supports that this missense variant has a deleterious effect on protein structure/function; Has not been previously published as pathogenic or benign to our knowledge

Labcorp Genetics (formerly Invitae), Labcorp
Classification: Uncertain significance for Congenital myasthenic syndrome 10; Fetal akinesia deformation sequence 1. Last evaluated: 2021-10-21. Review status: criteria provided, single submitter. Criteria: Invitae Variant Classification Sherloc (09022015). Collection method: clinical testing. Allele origin: germline.
Comment: This sequence change replaces proline with alanine at codon 219 of the DOK7 protein (p.Pro219Ala). The proline residue is moderately conserved and there is a small physicochemical difference between proline and alanine. This variant is not present in population databases (ExAC no frequency). This variant has not been reported in the literature in individuals affected with DOK7-related conditions. Algorithms developed to predict the effect of missense changes on protein structure and function (SIFT, PolyPhen-2, Align-GVGD) all suggest that this variant is likely to be tolerated. In summary, the available evidence is currently insufficient to determine the role of this variant in disease. Therefore, it has been classified as a Variant of Uncertain Significance.

Revvity Omics, Revvity
Classification: Uncertain significance. Last evaluated: 2019-08-19. Review status: criteria provided, single submitter. Criteria: ACMG Guidelines, 2015. Collection method: clinical testing. Allele origin: germline.

NM_173660.5(DOK7):c.655C>G (p.Pro219Ala)

Gene: DOK7 (docking protein 7; plus strand). Cytogenetic location: 4p16.3.
Variant type: single nucleotide variant.
Coding change: c.655C>G on transcript NM_173660.5 (MANE Select); coding-DNA position 655, C replaced by G.
Protein change: p.Pro219Ala; replaces proline 219 with alanine.
Molecular consequence: missense variant. On other transcripts: 5 prime UTR variant (1).
Genome position (GRCh38, 1-based): chr4:3,489,679, C>G. VCF-style: chr4-3489679-C-G. GRCh37 (hg19) VCF-style: chr4-3491406-C-G.
Other names: c.644C>G, p.Pro215Arg (NM_001164673.2); c.-276C>G (NM_001256896.2); c.655C>G, p.Pro219Ala (NM_001301071.2); c.223C>G, p.Pro75Ala (NM_001363811.2); c.655C>G (NM_173660.4); short protein forms P219A, P75A, P215R.
Identifiers: ClinVar variation 1523293 (VCV001523293.6), dbSNP rs956613882, ClinGen allele CA91548891.